The following is an entry in ClinVar:

ClinVar aggregate classification (germline): Uncertain significance (1 of 4 stars; one submission).

Conditions:
GLUT1 deficiency syndrome 1, autosomal recessive. Identifiers: MedGen C3149117.

Submission:

Labcorp Genetics (formerly Invitae), Labcorp
Classification: Uncertain significance for GLUT1 deficiency syndrome 1, autosomal recessive. Last evaluated: 2024-03-02. Review status: criteria provided, single submitter. Criteria: Invitae Variant Classification Sherloc (09022015). Collection method: clinical testing. Allele origin: germline.
Comment: This sequence change replaces glutamine, which is neutral and polar, with histidine, which is basic and polar, at codon 25 of the SLC2A1 protein (p.Gln25His). This variant is not present in population databases (gnomAD no frequency). This variant has not been reported in the literature in individuals affected with SLC2A1-related conditions. Advanced modeling of protein sequence and biophysical properties (such as structural, functional, and spatial information, amino acid conservation, physicochemical variation, residue mobility, and thermodynamic stability) performed at Invitae indicates that this missense variant is expected to disrupt SLC2A1 protein function with a positive predictive value of 95%. In summary, the available evidence is currently insufficient to determine the role of this variant in disease. Therefore, it has been classified as a Variant of Uncertain Significance.

NM_006516.4(SLC2A1):c.75G>C (p.Gln25His)

Gene: SLC2A1 (solute carrier family 2 member 1; minus strand). Cytogenetic location: 1p34.2.
Variant type: single nucleotide variant.
Coding change: c.75G>C on transcript NM_006516.4 (MANE Select); coding-DNA position 75, G replaced by C.
Protein change: p.Gln25His; replaces glutamine 25 with histidine.
Molecular consequence: missense variant.
Genome position (GRCh38, 1-based): chr1:42,943,265, C>G on the plus strand (G>C on the coding strand, the complement: SLC2A1 is on the minus strand). VCF-style: chr1-42943265-C-G. GRCh37 (hg19) VCF-style: chr1-43408936-C-G.
Other names: short protein forms Q25H.
Identifiers: ClinVar variation 3633560 (VCV003633560.2).